The following is an entry in ClinVar:

NM_000127.3(EXT1):c.1685_1701dup (p.Thr568fs)

Gene: EXT1 (exostosin glycosyltransferase 1; minus strand). Cytogenetic location: 8q24.11.
Variant type: Duplication.
Coding change: c.1685_1701dup on transcript NM_000127.3 (MANE Select); coding-DNA positions 1685 to 1701, 17 bases duplicated (TCAGCCTTGACGAGGAC).
Protein change: p.Thr568fs; shifts the reading frame from threonine 568.
Molecular consequence: frameshift variant.
Genome position (GRCh38, 1-based): chr8:117,812,893-117,812,909, GTCCTCGTCAAGGCTGA duplicated on the plus strand (TCAGCCTTGACGAGGAC on the coding strand, the reverse complement: EXT1 is on the minus strand); duplicating any 17 consecutive bases within chr8:117,812,893-117,812,910 gives the same sequence; the c. name uses the placement nearest the transcript's 3' end. VCF-style (leftmost placement, unchanged base first): chr8-117812892-T-TGTCCTCGTCAAGGCTGA. GRCh37 (hg19) VCF-style: chr8-118825131-T-TGTCCTCGTCAAGGCTGA.
Other names: short protein forms T568fs.
Identifiers: ClinVar variation 503990 (VCV000503990.9), dbSNP rs1554657927, ClinGen allele CA658797137.

ClinVar aggregate classification (germline): Pathogenic. Review status: criteria provided, multiple submitters, no conflicts (2 of 4 stars). 2 submissions from 2 submitters: Pathogenic (2). Last evaluated 2019-07-31.

Conditions:
Multiple congenital exostosis (EXT). Also called: Multiple exostoses; Hereditary multiple exostoses; Hereditary multiple exostosis; MULTIPLE CARTILAGINOUS EXOSTOSES; Multiple osteochondromas; Hereditary multiple osteochondromas. Identifiers: Orphanet 321, MedGen C0015306, MONDO:0005508, HP:0002762.

Submissions (2):

Labcorp Genetics (formerly Invitae), Labcorp
Classification: Pathogenic for Multiple congenital exostosis. Last evaluated: 2019-07-31. Review status: criteria provided, single submitter. Criteria: Invitae Variant Classification Sherloc (09022015). Collection method: clinical testing. Allele origin: germline.
Comment: This variant is not present in population databases (ExAC no frequency). This variant has not been reported in the literature in individuals with EXT1-related conditions. ClinVar contains an entry for this variant (Variation ID: 503990). Loss-of-function variants in EXT1 are known to be pathogenic (PMID: 10679937, 11391482, 19810120). For these reasons, this variant has been classified as Pathogenic. This sequence change creates a premature translational stop signal (p.Thr568Serfs*59) in the EXT1 gene. It is expected to result in an absent or disrupted protein product.

GeneDx
Classification: Pathogenic. Last evaluated: 2017-12-21. Review status: criteria provided, single submitter. Criteria: GeneDx Variant Classification (06012015). Collection method: clinical testing. Allele origin: germline. Affected: yes.
Comment: The c.1685_1701dup17 variant in the EXT1 gene has not been published as a pathogenic variant, nor has it been reported as a benign variant to our knowledge. This duplication causes a frameshift starting with codon Threonine 568, changes this amino acid to a Serine residue and creates a premature Stop codon at position 59 of the new reading frame, denoted p.Thr568SerfsX59. This variant is predicted to cause loss of normal protein function either through protein truncation or nonsense-mediated mRNA decay. The c.1685_1701dup17 variant is not observed in large population cohorts (Lek et al., 2016). Based on currently available evidence, we consider c.1685_1701dup17 to be pathogenic.

Literature cited by the submitters: PubMed 10679937 (cited by Labcorp Genetics (formerly Invitae), Labcorp); PubMed 11391482 (cited by Labcorp Genetics (formerly Invitae), Labcorp); PubMed 19810120 (cited by Labcorp Genetics (formerly Invitae), Labcorp).